The following is an entry in ClinVar:

NM_022042.4(SLC26A1):c.16G>C (p.Glu6Gln)

Genes: IDUA (alpha-L-iduronidase; plus strand), SLC26A1 (solute carrier family 26 member 1; minus strand). Cytogenetic location: 4p16.3.
Variant type: single nucleotide variant.
Coding change: c.16G>C on transcript NM_022042.4 (MANE Select); coding-DNA position 16, G replaced by C.
Protein change: p.Glu6Gln; replaces glutamic acid 6 with glutamine.
Molecular consequence: missense variant. On other transcripts: intron variant (1).
Genome position (GRCh38, 1-based): chr4:991,688, C>G on the plus strand (G>C on the coding strand, the complement: SLC26A1 is on the minus strand). VCF-style: chr4-991688-C-G. GRCh37 (hg19) VCF-style: chr4-985476-C-G.
Other names: c.16G>C (NM_213613.2); c.16G>C, p.Glu6Gln (NM_134425.4, NM_213613.4); c.299+3739C>G (NM_000203.5); short protein forms E6Q.
Identifiers: ClinVar variation 2717542 (VCV002717542.6), dbSNP rs754358942, ClinGen allele CA2801798.

ClinVar aggregate classification (germline): Conflicting classifications of pathogenicity. Review status: criteria provided, conflicting classifications (1 of 4 stars). 4 submissions from 4 submitters: Uncertain significance (3); Likely benign (1). Last evaluated 2025-01-01.

Conditions:
Hypersulfaturia (HYSULF). Identifiers: MedGen C5830511, MONDO:0957268, OMIM 620372.
Nephrolithiasis susceptibility caused by SLC26A1 (CAON1). Also called: NEPHROLITHIASIS, CALCIUM OXALATE, 1. Identifiers: MedGen C5779632, MONDO:0020722, OMIM 167030.
Inborn genetic diseases. Identifiers: MedGen C0950123, MeSH D030342.

Allele frequency attached by ClinVar (database versions not stated): gnomAD 0.00008; TOPMed 0.00011; gnomAD exomes 0.00013; ExAC 0.00019.
gnomAD v4.1: 190 of 1,534,372 alleles (0.012%); highest among the groups gnomAD compares: South Asian, 0.16%; 2 homozygotes.

Submissions (4):

Labcorp Genetics (formerly Invitae), Labcorp
Classification: Uncertain significance. Last evaluated: 2025-01-01. Review status: criteria provided, single submitter. Criteria: Invitae Variant Classification Sherloc (09022015). Collection method: clinical testing. Allele origin: germline.
Comment: This sequence change replaces glutamic acid, which is acidic and polar, with glutamine, which is neutral and polar, at codon 6 of the SLC26A1 protein (p.Glu6Gln). This variant is present in population databases (rs754358942, gnomAD 0.1%), and has an allele count higher than expected for a pathogenic variant. This variant has not been reported in the literature in individuals affected with SLC26A1-related conditions. ClinVar contains an entry for this variant (Variation ID: 2717542). An algorithm developed to predict the effect of missense changes on protein structure and function (PolyPhen-2) suggests that this variant is likely to be disruptive. In summary, the available evidence is currently insufficient to determine the role of this variant in disease. Therefore, it has been classified as a Variant of Uncertain Significance.

Blueprint Genetics
Classification: Uncertain significance. Last evaluated: 2024-11-13. Review status: criteria provided, single submitter. Criteria: ACMG Guidelines, 2015. Collection method: clinical testing. Allele origin: germline.

Ambry Genetics
Classification: Uncertain significance for Inborn genetic diseases. Last evaluated: 2024-09-08. Review status: criteria provided, single submitter. Criteria: Ambry Variant Classification Scheme 2023. Collection method: clinical testing. Allele origin: germline.

Fulgent Genetics
Classification: Likely benign for Nephrolithiasis susceptibility caused by SLC26A1; Hypersulfaturia. Last evaluated: 2024-03-13. Review status: criteria provided, single submitter. Criteria: ACMG Guidelines, 2015. Collection method: clinical testing. Allele origin: germline.